The following is an entry in ClinVar:

ClinVar aggregate classification (germline): Conflicting classifications of pathogenicity. Review status: criteria provided, conflicting classifications (1 of 4 stars). 3 submissions from 3 submitters: Uncertain significance (1); Likely benign (1). 1 of the submissions does not count toward it. Last evaluated 2026-02-01.

Conditions:
STN1-related disorder. Also called: STN1-related condition.

Allele frequency attached by ClinVar (database versions not stated): gnomAD exomes 0.00005 and 0.00016; ExAC 0.00017; ESP Exome Variant Server 0.00038; TOPMed 0.00060; gnomAD 0.00066 and 0.00071; 1000 Genomes Project 30x 0.00078; 1000 Genomes Project 0.00080.
gnomAD v4.1: 177 of 1,610,810 alleles (0.011%); highest among the groups gnomAD compares: African/African-American, 0.21%; no homozygotes.

Submissions (3):

Labcorp Genetics (formerly Invitae), Labcorp
Classification: Likely benign. Last evaluated: 2026-02-01. Review status: criteria provided, single submitter. Criteria: Invitae Variant Classification Sherloc (09022015). Collection method: clinical testing. Allele origin: germline.

GeneDx
Classification: Uncertain significance. Last evaluated: 2023-11-20. Review status: criteria provided, single submitter. Criteria: GeneDx Variant Classification Process June 2021. Collection method: clinical testing. Allele origin: germline. Affected: yes.
Comment: In silico analysis supports that this missense variant does not alter protein structure/function; Has not been previously published as pathogenic or benign to our knowledge

PreventionGenetics, part of Exact Sciences
Classification: Likely benign for STN1-related condition. Last evaluated: 2022-02-02. Review status: no assertion criteria provided. Collection method: clinical testing. Allele origin: germline. Not counted in ClinVar's aggregate classification.
Comment: This variant is classified as likely benign based on ACMG/AMP sequence variant interpretation guidelines (Richards et al. 2015 PMID: 25741868, with internal and published modifications).

NM_024928.5(STN1):c.809C>T (p.Ala270Val)

Gene: STN1 (STN1 subunit of CST complex; minus strand). Cytogenetic location: 10q24.33.
Variant type: single nucleotide variant.
Coding change: c.809C>T on transcript NM_024928.5 (MANE Select); coding-DNA position 809, C replaced by T.
Protein change: p.Ala270Val; replaces alanine 270 with valine.
Molecular consequence: missense variant.
Genome position (GRCh38, 1-based): chr10:103,892,197, G>A on the plus strand (C>T on the coding strand, the complement: STN1 is on the minus strand). VCF-style: chr10-103892197-G-A. GRCh37 (hg19) VCF-style: chr10-105651955-G-A.
Other names: c.809C>T (NM_024928.4); short protein forms A270V.
Identifiers: ClinVar variation 1139969 (VCV001139969.12), dbSNP rs146867381, ClinGen allele CA5676499.